The following is an entry in ClinVar:

ClinVar aggregate classification (germline): Uncertain significance. Review status: criteria provided, multiple submitters, no conflicts (2 of 4 stars). 3 submissions from 3 submitters: Uncertain significance (2). 1 of the submissions does not count toward it. Last evaluated 2021-09-24.

Conditions:
Nemaline myopathy 2 (NEM2). Also called: Nemaline myopathy 2, autosomal recessive. Identifiers: MedGen C1850569, MONDO:0009725, OMIM 256030.

Allele frequency attached by ClinVar (database versions not stated): gnomAD 0.00001; TOPMed 0.00001.
gnomAD v4.1: 52 of 1,613,362 alleles (0.0032%); highest among the groups gnomAD compares: Non-Finnish European, 0.0042%; no homozygotes.

Submissions (3):

Labcorp Genetics (formerly Invitae), Labcorp
Classification: Uncertain significance for Nemaline myopathy 2. Last evaluated: 2021-09-24. Review status: criteria provided, single submitter. Criteria: Invitae Variant Classification Sherloc (09022015). Collection method: clinical testing. Allele origin: germline.
Comment: This sequence change replaces alanine with aspartic acid at codon 1579 of the NEB protein (p.Ala1579Asp). The alanine residue is moderately conserved and there is a moderate physicochemical difference between alanine and aspartic acid. This variant is present in population databases (rs751602407, ExAC 0.005%). This variant has not been reported in the literature in individuals affected with NEB-related conditions. Algorithms developed to predict the effect of missense changes on protein structure and function are either unavailable or do not agree on the potential impact of this missense change (SIFT: "Deleterious"; PolyPhen-2: "Not Available"; Align-GVGD: "Class C0"). In summary, the available evidence is currently insufficient to determine the role of this variant in disease. Therefore, it has been classified as a Variant of Uncertain Significance.

Revvity Omics, Revvity
Classification: Uncertain significance. Last evaluated: 2021-04-09. Review status: criteria provided, single submitter. Criteria: ACMG Guidelines, 2015. Collection method: clinical testing. Allele origin: germline.

Natera, Inc.
Classification: Uncertain significance for Nemaline myopathy type 2. Last evaluated: 2021-01-13. Review status: no assertion criteria provided. Collection method: clinical testing. Allele origin: germline. Not counted in ClinVar's aggregate classification.

NM_001164508.2(NEB):c.4736C>A (p.Ala1579Asp)

Gene: NEB (nebulin; minus strand). Cytogenetic location: 2q23.3.
Variant type: single nucleotide variant.
Coding change: c.4736C>A on transcript NM_001164508.2 (MANE Select); coding-DNA position 4736, C replaced by A.
Protein change: p.Ala1579Asp; replaces alanine 1579 with aspartic acid.
Molecular consequence: missense variant.
Genome position (GRCh38, 1-based): chr2:151,666,385, G>T on the plus strand (C>A on the coding strand, the complement: NEB is on the minus strand). VCF-style: chr2-151666385-G-T. GRCh37 (hg19) VCF-style: chr2-152522899-G-T.
Other names: c.4736C>A, p.Ala1579Asp (NM_001164507.2, NM_001271208.2, NM_004543.5); short protein forms A1579D.
Identifiers: ClinVar variation 1047348 (VCV001047348.10), dbSNP rs751602407, ClinGen allele CA1910540.